The following is an entry in ClinVar:

ClinVar aggregate classification (germline): Uncertain significance. Review status: criteria provided, multiple submitters, no conflicts (2 of 4 stars). 3 submissions from 3 submitters: Uncertain significance (3). Last evaluated 2025-09-22.

Conditions:
Asphyxiating thoracic dystrophy 3. Also called: SHORT-RIB THORACIC DYSPLASIA 3 WITH OR WITHOUT POLYDACTYLY; POLYDACTYLY WITH NEONATAL CHONDRODYSTROPHY, TYPE I; SHORT-RIB THORACIC DYSPLASIA 3/6 WITH POLYDACTYLY, DIGENIC; Short rib polydactyly syndrome 2B; Saldino-Noonan Syndrome. Identifiers: Orphanet 474, Orphanet 93269, Orphanet 93270, Orphanet 93271, MedGen C0036069, MONDO:0013127, OMIM 613091.
Inborn genetic diseases. Identifiers: MedGen C0950123, MeSH D030342.

Allele frequency attached by ClinVar (database versions not stated): gnomAD exomes 0.00001; ExAC 0.00002; gnomAD 0.00004; TOPMed 0.00006; ESP Exome Variant Server 0.00016.
gnomAD v4.1: 16 of 1,613,832 alleles (0.00099%); highest among the groups gnomAD compares: East Asian, 0.018%; no homozygotes.

Submissions (3):

Ambry Genetics
Classification: Uncertain significance for Inborn genetic diseases. Last evaluated: 2025-09-22. Review status: criteria provided, single submitter. Criteria: Ambry Variant Classification Scheme 2023. Collection method: clinical testing. Allele origin: germline.

Blueprint Genetics
Classification: Uncertain significance. Last evaluated: 2024-05-28. Review status: criteria provided, single submitter. Criteria: ACMG Guidelines, 2015. Collection method: clinical testing. Allele origin: germline.

Daryl Scott Lab, Baylor College of Medicine
Classification: Uncertain significance for Asphyxiating thoracic dystrophy 3. Last evaluated: 2024-04-01. Review status: criteria provided, single submitter. Criteria: ACMG Guidelines, 2015. Collection method: clinical testing. Allele origin: unknown. Observed: 1 compound heterozygote.
Comment: PM3

NM_001377.3(DYNC2H1):c.104A>G (p.Asn35Ser)

Gene: DYNC2H1 (dynein cytoplasmic 2 heavy chain 1; plus strand). Cytogenetic location: 11q22.3.
Variant type: single nucleotide variant.
Coding change: c.104A>G on transcript NM_001377.3 (MANE Select); coding-DNA position 104, A replaced by G.
Protein change: p.Asn35Ser; replaces asparagine 35 with serine.
Molecular consequence: missense variant.
Genome position (GRCh38, 1-based): chr11:103,109,678, A>G. VCF-style: chr11-103109678-A-G. GRCh37 (hg19) VCF-style: chr11-102980407-A-G.
Other names: c.104A>G, p.Asn35Ser (NM_001080463.2); short protein forms N35S.
Identifiers: ClinVar variation 2475146 (VCV002475146.5), dbSNP rs376692485, ClinGen allele CA6252387.